The following is an entry in ClinVar:

NM_001367721.1(CASK):c.2113AAG[1] (p.Lys706del)

Gene: CASK (calcium/calmodulin dependent serine protein kinase; minus strand). Cytogenetic location: Xp11.4.
Variant type: Microsatellite.
Coding change: c.2113AAG[1] on transcript NM_001367721.1 (MANE Select); one copy of the 3-base unit AAG starting at c.2113; the reference has two copies in a row; one copy, 3 bases deleted.
Protein change: p.Lys706del; deletes lysine 706.
Molecular consequence: inframe deletion. On other transcripts: inframe indel (4).
Genome position (GRCh38, 1-based): chrX:41,542,728-41,542,730, CTT deleted on the plus strand (AAG on the coding strand, the reverse complement: CASK is on the minus strand); deleting any 3 consecutive bases within chrX:41,542,728-41,542,733 gives the same sequence; the position shown is the placement nearest the transcript's 3' end. VCF-style (leftmost placement, unchanged base first): chrX-41542727-GCTT-G. GRCh37 (hg19) VCF-style: chrX-41401980-GCTT-G.
Other names: c.2044_2046AAG[1], p.Lys683del (NM_001126054.3); c.2026_2028AAG[1], p.Lys677del (NM_001126055.3); c.2095_2097AAG[1], p.Lys700del (NM_001410745.1); c.2113_2115AAG[1], p.Lys706del (NM_003688.4); short protein forms K677del, K683del, K706del, K700del.
Identifiers: ClinVar variation 1054601 (VCV001054601.9), dbSNP rs2147111902, ClinGen allele CA2580617004.

ClinVar aggregate classification (germline): Uncertain significance (1 of 4 stars; one submission).

Conditions:
Intellectual disability, CASK-related, X-linked. Identifiers: MedGen CN043158.

Submission:

Labcorp Genetics (formerly Invitae), Labcorp
Classification: Uncertain significance for Intellectual disability, CASK-related, X-linked. Last evaluated: 2020-09-01. Review status: criteria provided, single submitter. Criteria: Invitae Variant Classification Sherloc (09022015). Collection method: clinical testing. Allele origin: germline.
Comment: This variant, c.2116_2118del, results in the deletion of 1 amino acid(s) of the CASK protein (p.Lys706del), but otherwise preserves the integrity of the reading frame. This variant is not present in population databases (ExAC no frequency). This variant has not been reported in the literature in individuals with CASK-related conditions. Experimental studies and prediction algorithms are not available or were not evaluated, and the functional significance of this variant is currently unknown. In summary, the available evidence is currently insufficient to determine the role of this variant in disease. Therefore, it has been classified as a Variant of Uncertain Significance.